The following is an entry in ClinVar:

NM_004369.4(COL6A3):c.6157-1G>A

Gene: COL6A3 (collagen type VI alpha 3 chain; minus strand). Cytogenetic location: 2q37.3.
Variant type: single nucleotide variant.
Coding change: c.6157-1G>A on transcript NM_004369.4 (MANE Select); the canonical splice acceptor site of the intron before coding-DNA position 6157, G replaced by A.
Molecular consequence: splice acceptor variant.
Genome position (GRCh38, 1-based): chr2:237,361,175, C>T on the plus strand (G>A on the coding strand, the complement: COL6A3 is on the minus strand). VCF-style: chr2-237361175-C-T. GRCh37 (hg19) VCF-style: chr2-238269818-C-T.
Other names: c.4336-1G>A (NM_057166.5); c.5539-1G>A (NM_057167.4).
Identifiers: ClinVar variation 2637655 (VCV002637655.1), dbSNP rs2469865292, ClinGen allele CA351217590.

ClinVar aggregate classification (germline): Likely pathogenic (1 of 4 stars; one submission).

Conditions:
Ullrich congenital muscular dystrophy 1A. Also called: Ullrich congenital muscular dystrophy 1; Intermediate COL6-RD. Identifiers: Orphanet 75840, MedGen C0410179, MONDO:0009681, OMIM 254090.

Submission:

Women's Health and Genetics/Laboratory Corporation of America, LabCorp
Classification: Likely pathogenic for Ullrich congenital muscular dystrophy 1A. Last evaluated: 2023-10-10. Review status: criteria provided, single submitter. Criteria: LabCorp Variant Classification Summary - May 2015. Collection method: clinical testing. Allele origin: germline.
Comment: Variant summary: COL6A3 c.6157-1G>A is located in a canonical splice-site and is predicted to affect mRNA splicing resulting in a significantly altered protein due to either exon skipping, shortening, or inclusion of intronic material. Several computational tools predict a significant impact on normal splicing: Four predict the variant abolishes the canonical 3' acceptor site and three predict the variant creates a new 3' acceptor site. However, these predictions have yet to be confirmed by functional studies. The variant was absent in 251414 control chromosomes (gnomAD). To our knowledge, no occurrence of c.6157-1G>A in individuals affected with Ullrich Congenital Muscular Dystrophy 1 and no experimental evidence demonstrating its impact on protein function have been reported. No submitters have cited clinical-significance assessments for this variant to ClinVar after 2014. Based on the evidence outlined above, the variant was classified as likely pathogenic.